The following is an entry in ClinVar:

ClinVar aggregate classification (germline): Likely pathogenic. Review status: criteria provided, multiple submitters, no conflicts (2 of 4 stars). 2 submissions from 2 submitters: Likely pathogenic (2). Last evaluated 2024-04-08.

Conditions:
Leber congenital amaurosis 1 (LCA1). Also called: AMAUROSIS CONGENITA OF LEBER I; Congenital absence of the rods and cones; Leber's congenital tapetoretinal degeneration; Leber's congenital tapetoretinal dysplasia; RETINAL BLINDNESS, CONGENITAL. Identifiers: Orphanet 65, MedGen C2931258, MONDO:0008764, OMIM 204000.

Submissions (2):

GeneDx
Classification: Likely pathogenic. Last evaluated: 2024-04-08. Review status: criteria provided, single submitter. Criteria: GeneDx Variant Classification Process June 2021. Collection method: clinical testing. Allele origin: germline. Affected: yes.
Comment: Not observed at significant frequency in large population cohorts (gnomAD); In-frame deletion of one amino acid in a non-repeat region; In silico analysis supports a deleterious effect on protein structure/function; Has not been previously published as pathogenic or benign to our knowledge

Department of Paediatric Medicine, Post Graduation Institute of Medical Education and Research
Classification: Likely pathogenic for Leber congenital amaurosis 1. Last evaluated: 2023-09-04. Review status: criteria provided, single submitter. Criteria: ACMG Guidelines, 2015. Collection method: clinical testing. Allele origin: germline. Inheritance: Autosomal recessive inheritance. Affected: yes. Observed: 1 variant allele, 1 homozygote.
Comment: According to ACMG guidelines and ClinGen specifications it satisfied following criteria with the respective evidence strengths PM1_Moderate(2 points) PM4_Moderate(2 points ) PM2_Supporting (1 point) PM3_Supporting (1 point) ClinGen specifications for case level data .. Table 4 .. PubMed 31479589 Final score : 6 (PMC8011844)

NM_000180.4(GUCY2D):c.2210AAG[1] (p.Glu738del)

Gene: GUCY2D (guanylate cyclase 2D, retinal; plus strand). Cytogenetic location: 17p13.1.
Variant type: Microsatellite.
Coding change: c.2210AAG[1] on transcript NM_000180.4 (MANE Select); one copy of the 3-base unit AAG starting at c.2210; the reference has two copies in a row; one copy, 3 bases deleted; also written c.2213_2215del.
Protein change: p.Glu738del; deletes glutamic acid 738.
Molecular consequence: inframe deletion.
Genome position (GRCh38, 1-based): chr17:8,013,202-8,013,204, AAG deleted; deleting any 3 consecutive bases within chr17:8,013,199-8,013,204 gives the same sequence; the position shown is the placement nearest the transcript's 3' end. VCF-style (leftmost placement, unchanged base first): chr17-8013198-CAAG-C. GRCh37 (hg19) VCF-style: chr17-7916516-CAAG-C.
Other names: c.2213_2215delAAG (NM_000180.4); c.2213_2215del (NM_000180.3); short protein forms E738del.
Identifiers: ClinVar variation 2580237 (VCV002580237.4), dbSNP rs2151802832, ClinGen allele CA2580617896.